The following is an entry in ClinVar:

NM_002474.3(MYH11):c.4129AAG[2] (p.Lys1379del)

Genes: MYH11 (myosin heavy chain 11; minus strand), NDE1 (nudE neurodevelopment protein 1; plus strand). Cytogenetic location: 16p13.11.
Variant type: Microsatellite.
Coding change: c.4129AAG[2] on transcript NM_002474.3 (MANE Select); two copies in a row of the 3-base unit AAG starting at c.4129; the reference has three copies in a row; one copy, 3 bases deleted; also written c.4135_4137del.
Protein change: p.Lys1379del; deletes lysine 1379.
Molecular consequence: inframe deletion. On other transcripts: 3 prime UTR variant (2).
Genome position (GRCh38, 1-based): chr16:15,724,389-15,724,391, CTT deleted on the plus strand (AAG on the coding strand, the reverse complement: MYH11 is on the minus strand); deleting any 3 consecutive bases within chr16:15,724,389-15,724,398 gives the same sequence; the position shown is the placement nearest the transcript's 3' end. VCF-style (leftmost placement, unchanged base first): chr16-15724388-GCTT-G. GRCh37 (hg19) VCF-style: chr16-15818245-GCTT-G.
Other names: c.4135_4137del (NM_002474.2); c.4150AAG[2], p.Lys1386del (NM_001040113.2, NM_001040114.2); c.4129AAG[2], p.Lys1379del (NM_022844.3); c.*139TTC[2] (NM_001143979.2, NM_017668.3); c.4156_4158del (NM_001040113.2); c.4156_4158delAAG (NM_001040113.2); short protein forms K1386del, K1379del.
Identifiers: ClinVar variation 924598 (VCV000924598.9), dbSNP rs748742555, ClinGen allele CA7921750.
Genomic context (GRCh38, chr16:15,724,388, plus strand): 5'-CCTTCTGGAACCTCTTCTTCCCCTCTTCCAGAGCTTCCACGGTGCTGGCAAAGTCCTGCA[GCTT>G]CTTCTTCGAGTCGGAGAGCTACAAGGACAGCGTCCAGGGTAGGGTGAGAGGGGGACCATG-3'

ClinVar aggregate classification (germline): Uncertain significance. Review status: criteria provided, multiple submitters, no conflicts (2 of 4 stars). 5 submissions from 5 submitters: Uncertain significance (5). Last evaluated 2026-02-16.

Conditions:
Familial thoracic aortic aneurysm and aortic dissection (TAAD). Also called: Thoracic aortic aneurysms and dissections. Identifiers: Orphanet 91387, MedGen C4707243, MONDO:0019625.
Aortic aneurysm, familial thoracic 4 (AAT4). Also called: AORTIC ANEURYSM/AORTIC DISSECTION AND PATENT DUCTUS ARTERIOSUS. Identifiers: MedGen C1851504, MONDO:0007568, OMIM 132900.

Submissions (5):

Women's Health and Genetics/Laboratory Corporation of America, LabCorp
Classification: Uncertain significance. Last evaluated: 2026-02-16. Review status: criteria provided, single submitter. Criteria: LabCorp Variant Classification Summary - May 2015. Collection method: clinical testing. Allele origin: germline.
Comment: Variant summary: MYH11 c.4156_4158delAAG (p.Lys1386del) results in an in-frame deletion that is predicted to remove one amino acids from the encoded protein. The variant allele was found at a frequency of 4e-06 in 250752 control chromosomes. The available data on variant occurrences in the general population are insufficient to allow any conclusion about variant significance. To our knowledge, no occurrence of c.4156_4158delAAG in individuals affected with MYH11-related conditions and no experimental evidence demonstrating its impact on protein function have been reported. ClinVar contains an entry for this variant (Variation ID: 924598). Based on the evidence outlined above, the variant was classified as uncertain significance.

Labcorp Genetics (formerly Invitae), Labcorp
Classification: Uncertain significance for Aortic aneurysm, familial thoracic 4. Last evaluated: 2025-06-08. Review status: criteria provided, single submitter. Criteria: Invitae Variant Classification Sherloc (09022015). Collection method: clinical testing. Allele origin: germline.
Comment: This variant, c.4156_4158del, results in the deletion of 1 amino acid(s) of the MYH11 protein (p.Lys1386del), but otherwise preserves the integrity of the reading frame. This variant is present in population databases (rs748742555, gnomAD 0.005%). This variant has not been reported in the literature in individuals affected with MYH11-related conditions. ClinVar contains an entry for this variant (Variation ID: 924598). Experimental studies and prediction algorithms are not available or were not evaluated, and the functional significance of this variant is currently unknown. In summary, the available evidence is currently insufficient to determine the role of this variant in disease. Therefore, it has been classified as a Variant of Uncertain Significance.

GeneDx
Classification: Uncertain significance. Last evaluated: 2024-11-22. Review status: criteria provided, single submitter. Criteria: GeneDx Variant Classification Process June 2021. Collection method: clinical testing. Allele origin: germline. Affected: yes.
Comment: Not observed at significant frequency in large population cohorts (gnomAD); In-frame deletion of 1 amino acid in a non-repeat region; In silico analysis supports a deleterious effect on protein structure/function; Has not been previously published as pathogenic or benign to our knowledge

All of Us Research Program, National Institutes of Health
Classification: Uncertain significance for Familial thoracic aortic aneurysm and aortic dissection. Last evaluated: 2023-10-02. Review status: criteria provided, single submitter. Criteria: ACMG Guidelines, 2015. Collection method: clinical testing. Allele origin: germline. Inheritance: Autosomal dominant inheritance. Observed: 1 variant allele, 1 heterozygote.
Comment: This variant causes an in-frame deletion of one amino acid at exon 32 of the MYH11 protein. To our knowledge, functional studies have not been reported for this variant. This variant has not been reported in individuals affected with MYH11-related disorders in the literature. This variant has been identified in 2/282150 chromosomes in the general population by the Genome Aggregation Database (gnomAD). The available evidence is insufficient to determine the role of this variant in disease conclusively. Therefore, this variant is classified as a Variant of Uncertain Significance.

This study involves interpretation of variants in research participants for the purpose of population health screening. Participant phenotype was not available at the time of variant classification. Additional details can be found in publication PMID: 35346344, PMCID: PMC8962531

Color Diagnostics, LLC DBA Color Health
Classification: Uncertain significance for Familial thoracic aortic aneurysm and aortic dissection. Last evaluated: 2023-09-08. Review status: criteria provided, single submitter. Criteria: ACMG Guidelines, 2015. Collection method: clinical testing. Allele origin: germline.
Comment: This variant causes an in-frame deletion of one amino acid at exon 32 of the MYH11 protein. To our knowledge, functional studies have not been reported for this variant. This variant has not been reported in individuals affected with MYH11-related disorders in the literature. This variant has been identified in 2/282150 chromosomes in the general population by the Genome Aggregation Database (gnomAD). The available evidence is insufficient to determine the role of this variant in disease conclusively. Therefore, this variant is classified as a Variant of Uncertain Significance.